The following is an entry in ClinVar:

ClinVar aggregate classification (germline): Uncertain significance (1 of 4 stars; one submission).

Submission:

Greenwood Genetic Center Diagnostic Laboratories, Greenwood Genetic Center
Classification: Uncertain significance. Last evaluated: 2025-04-07. Review status: criteria provided, single submitter. Criteria: ACMG Guidelines, 2015. Collection method: clinical testing. Allele origin: germline. Affected: yes.
Comment: Gene of Uncertain Significance

NM_001522.3(GUCY2F):c.19C>A (p.Arg7Ser)

Gene: GUCY2F (guanylate cyclase 2F, retinal; minus strand). Cytogenetic location: Xq23.
Variant type: single nucleotide variant.
Coding change: c.19C>A on transcript NM_001522.3 (MANE Select); coding-DNA position 19, C replaced by A.
Protein change: p.Arg7Ser; replaces arginine 7 with serine.
Molecular consequence: missense variant.
Genome position (GRCh38, 1-based): chrX:109,475,918, G>T on the plus strand (C>A on the coding strand, the complement: GUCY2F is on the minus strand). VCF-style: chrX-109475918-G-T. GRCh37 (hg19) VCF-style: chrX-108719147-G-T.
Other names: short protein forms R7S.
Identifiers: ClinVar variation 4538204 (VCV004538204.1).
Genomic context (GRCh38, chrX:109,475,918, plus strand): 5'-GGCCATGGTGTCCCAGCAGTTTCCTGAAAGCCGCAAACCAGAGAACAAGGCGAGAAAAGC[G>T]CCCGAGTCCCAGGAACATAGCCCTCCTGCTTCCAGCAAGCTAATGACGAGATACTGGAGA-3'
Protein context (NP_001513.2, residues 1-17): MFLGLG[Arg7Ser]FSRLVLWFAA